The following is an entry in ClinVar:

NM_017871.6(INTS11):c.50G>T (p.Arg17Leu)

Gene: INTS11 (integrator complex subunit 11; minus strand). Cytogenetic location: 1p36.33.
Variant type: single nucleotide variant.
Coding change: c.50G>T on transcript NM_017871.6 (MANE Select); coding-DNA position 50, G replaced by T.
Protein change: p.Arg17Leu; replaces arginine 17 with leucine.
Molecular consequence: missense variant. On other transcripts: 5 prime UTR variant (1), intron variant (1).
Genome position (GRCh38, 1-based): chr1:1,321,072, C>A on the plus strand (G>T on the coding strand, the complement: INTS11 is on the minus strand). VCF-style: chr1-1321072-C-A. GRCh37 (hg19) VCF-style: chr1-1256452-C-A.
Other names: p.Arg17Leu; c.68G>T, p.Arg23Leu (NM_001256456.2); c.-38G>T (NM_001256460.2); c.50G>T, p.Arg17Leu (NM_001256463.2); c.139+2105G>T (NM_001256462.2); short protein forms R23L, R17L.
Identifiers: ClinVar variation 2506983 (VCV002506983.2), dbSNP rs1380311814, ClinGen allele CA337811726.

ClinVar aggregate classification (germline): Pathogenic. Review status: criteria provided, single submitter (1 of 4 stars). 2 submissions from 2 submitters: Pathogenic (1). 1 of the submissions does not count toward it. Last evaluated 2026-07-05.

Conditions:
Neurodevelopmental disorder with motor and language delay, ocular defects, and brain abnormalities (NEDMLOB). Identifiers: MedGen C5830596, MONDO:0957386, OMIM 620428.

gnomAD v4.1: 1 of 1,612,226 alleles (0.000062%); highest among the groups gnomAD compares: Non-Finnish European, 0.000085%; no homozygotes.

Submissions (2):

Department of Molecular Genetics, Istishari Arab Hospital
Classification: Pathogenic for Neurodevelopmental disorder with motor and language delay, ocular defects, and brain abnormalities. Last evaluated: 2026-07-05. Review status: criteria provided, single submitter. Criteria: ACMG Guidelines, 2015. Collection method: clinical testing. Allele origin: germline. Inheritance: Autosomal recessive inheritance. Affected: yes.
Comment: The INTS11 variant c.50G>T, p.Arg17Leu creates an amino acid change from Arg to Leu at position 17 in exon 2 (of 17). The variant is observed with very low frequency in the gnomAD v4.1.0 dataset (<0.001). This variant was previously reported in patients with neurodevelopmental disorders with motor and language delay, ocular defects, and brain abnormalities (PMID: 37054711). It is classified as pathogenic based on ACMG/AMP/ClinGen SVI guidelines.

OMIM
Classification: Pathogenic for NEURODEVELOPMENTAL DISORDER WITH MOTOR AND LANGUAGE DELAY, OCULAR DEFECTS, AND BRAIN ABNORMALITIES. Last evaluated: 2023-06-28. Review status: no assertion criteria provided. Collection method: literature only. Allele origin: germline. Not counted in ClinVar's aggregate classification.

Literature cited by the submitters: PubMed 37054711 (cited by Department of Molecular Genetics, Istishari Arab Hospital and OMIM).